The following is an entry in ClinVar:

NM_022916.6(VPS33A):c.845C>T (p.Thr282Met)

Gene: VPS33A (VPS33A core subunit of CORVET and HOPS complexes; minus strand). Cytogenetic location: 12q24.31.
Variant type: single nucleotide variant.
Coding change: c.845C>T on transcript NM_022916.6 (MANE Select); coding-DNA position 845, C replaced by T.
Protein change: p.Thr282Met; replaces threonine 282 with methionine.
Molecular consequence: missense variant. On other transcripts: intron variant (1).
Genome position (GRCh38, 1-based): chr12:122,244,693, G>A on the plus strand (C>T on the coding strand, the complement: VPS33A is on the minus strand). VCF-style: chr12-122244693-G-A. GRCh37 (hg19) VCF-style: chr12-122729240-G-A.
Other names: c.812C>T, p.Thr271Met (NM_001351018.2); c.797C>T, p.Thr266Met (NM_001351019.2); c.776-4748C>T (NM_001351020.2); short protein forms T282M, T271M, T266M.
Identifiers: ClinVar variation 2899601 (VCV002899601.3), dbSNP rs201831186, ClinGen allele CA6844489.

ClinVar aggregate classification (germline): Uncertain significance (1 of 4 stars; one submission).

Allele frequency attached by ClinVar (database versions not stated): TOPMed 0.00004; 1000 Genomes Project 30x 0.00031; ExAC 0.00004; 1000 Genomes Project 0.00020; gnomAD exomes 0.00005; gnomAD 0.00007.
gnomAD v4.1: 84 of 1,614,150 alleles (0.0052%); highest among the groups gnomAD compares: Non-Finnish European, 0.0059%; no homozygotes.

Submission:

Labcorp Genetics (formerly Invitae), Labcorp
Classification: Uncertain significance. Last evaluated: 2025-12-06. Review status: criteria provided, single submitter. Criteria: Invitae Variant Classification Sherloc (09022015). Collection method: clinical testing. Allele origin: germline.
Comment: This sequence change replaces threonine, which is neutral and polar, with methionine, which is neutral and non-polar, at codon 282 of the VPS33A protein (p.Thr282Met). This variant is present in population databases (rs201831186, gnomAD 0.01%). This variant has not been reported in the literature in individuals affected with VPS33A-related conditions. ClinVar contains an entry for this variant (Variation ID: 2899601). An algorithm developed to predict the effect of missense changes on protein structure and function (PolyPhen-2) suggests that this variant is likely to be tolerated. In summary, the available evidence is currently insufficient to determine the role of this variant in disease. Therefore, it has been classified as a Variant of Uncertain Significance.